The following is an entry in ClinVar:

NM_145166.4(ZBTB47):c.181G>T (p.Ala61Ser)

Gene: ZBTB47 (zinc finger and BTB domain containing 47; plus strand). Cytogenetic location: 3p22.1.
Variant type: single nucleotide variant.
Coding change: c.181G>T on transcript NM_145166.4 (MANE Select); coding-DNA position 181, G replaced by T.
Protein change: p.Ala61Ser; replaces alanine 61 with serine.
Molecular consequence: missense variant.
Genome position (GRCh38, 1-based): chr3:42,658,536, G>T. VCF-style: chr3-42658536-G-T. GRCh37 (hg19) VCF-style: chr3-42700028-G-T.
Other names: c.265G>T, p.Ala89Ser (NM_001410746.1); short protein forms A61S, A89S.
Identifiers: ClinVar variation 3472345 (VCV003472345.2).

ClinVar aggregate classification (germline): Uncertain significance. Review status: criteria provided, multiple submitters, no conflicts (2 of 4 stars). 2 submissions from 2 submitters: Uncertain significance (2). Last evaluated 2025-07-05.

Submissions (2):

GeneDx
Classification: Uncertain significance. Last evaluated: 2025-07-05. Review status: criteria provided, single submitter. Criteria: GeneDx Variant Classification Process June 2021. Collection method: clinical testing. Allele origin: germline. Affected: yes.
Comment: Not observed at significant frequency in large population cohorts (gnomAD); In silico analysis suggests that this missense variant does not alter protein structure/function; Has not been previously published as pathogenic or benign to our knowledge

Ambry Genetics
Classification: Uncertain significance. Last evaluated: 2024-07-05. Review status: criteria provided, single submitter. Criteria: Ambry Variant Classification Scheme 2023. Collection method: clinical testing. Allele origin: germline.